The following is an entry in ClinVar:

NM_014009.4(FOXP3):c.116_122dup (p.Gly43fs)

Gene: FOXP3 (forkhead box P3; minus strand). Cytogenetic location: Xp11.23.
Variant type: Microsatellite.
Coding change: c.116_122dup on transcript NM_014009.4 (MANE Select); coding-DNA positions 116 to 122, 7 bases duplicated (GGGGCCC; older notation c.116_122dupGGGGCCC).
Protein change: p.Gly43fs; shifts the reading frame from glycine 43.
Molecular consequence: frameshift variant.
Genome position (GRCh38, 1-based): chrX:49,258,384-49,258,390, GGGCCCC duplicated on the plus strand (GGGGCCC on the coding strand, the reverse complement: FOXP3 is on the minus strand); duplicating any 7 consecutive bases within chrX:49,258,384-49,258,397 gives the same sequence; the c. name uses the placement nearest the transcript's 3' end. VCF-style (leftmost placement, unchanged base first): chrX-49258383-T-TGGGCCCC. GRCh37 (hg19) VCF-style: chrX-49114840-T-TGGGCCCC.
Other names: c.116_122dup, p.Gly43fs (NM_001114377.2); short protein forms G43fs.
Identifiers: ClinVar variation 3233258 (VCV003233258.2), dbSNP rs2519196832.

ClinVar aggregate classification (germline): Pathogenic (1 of 4 stars; one submission).

Conditions:
Centronuclear myopathy (CNM). Also called: Centronuclear myopathy, congenital; Myotubular myopathy. Identifiers: Orphanet 595, MedGen C0175709, MONDO:0018947. Inheritance: All.

Submission:

Muscle and Diseases Team, Institut de Génétique et Biologie Moléculaire et Cellulaire
Classification: Pathogenic for Centronuclear myopathy. Last evaluated: 2024-03-01. Review status: criteria provided, single submitter. Criteria: ACMG Guidelines, 2015. Collection method: research. Allele origin: germline. Affected: yes. Observed: 1 variant allele.
Comment: PVS1+PP3+PP4

Literature cited by the submitters: DOI 10.1186/s13073-024-01353-0.